The following is an entry in ClinVar:

NC_000009.11:g.(?_98247957)_(98248166_?)del

Gene: PTCH1 (patched 1; minus strand). Cytogenetic location: 9q22.32.
Variant type: Deletion.
Identifiers: ClinVar variation 1071964 (VCV001071964.10).

ClinVar aggregate classification (germline): Pathogenic (1 of 4 stars; one submission).

Conditions:
Gorlin syndrome. Also called: Nevoid Basal Cell Carcinoma Syndrome; Basal cell nevus syndrome. Identifiers: Orphanet 377, MedGen C0004779, MONDO:0007187.

Submission:

Labcorp Genetics (formerly Invitae), Labcorp
Classification: Pathogenic for Gorlin syndrome. Last evaluated: 2020-09-10. Review status: criteria provided, single submitter. Criteria: Invitae Variant Classification Sherloc (09022015). Collection method: clinical testing. Allele origin: germline.
Comment: For these reasons, this variant has been classified as Pathogenic. This variant is an out-of-frame deletion of the genomic region encompassing exon 3 of the PTCH1 gene. This is expected to create a premature translational stop signal and result in an absent or disrupted protein product. This variant has not been reported in the literature in individuals with PTCH1-related conditions. Loss-of-function variants in PTCH1 are known to be pathogenic (PMID: 16301862, 16419085).

Literature cited by the submitters: PubMed 16301862; PubMed 16419085.